The following is an entry in ClinVar:

ClinVar aggregate classification (germline): Pathogenic/Likely pathogenic. Review status: criteria provided, multiple submitters, no conflicts (2 of 4 stars). 7 submissions from 7 submitters: Pathogenic (5); Likely pathogenic (2). Last evaluated 2026-01-19.

Conditions:
GLB1-related disorder. Also called: GLB1-related disorders. Identifiers: MedGen CN377807.
Mucopolysaccharidosis, MPS-IV-B (MPS4B). Also called: Mucopolysaccharidosis Type IVB (Morquio B Disease); Mucopolysaccharidosis type IV B; Mucopolysaccharidosis type 4B; MORQUIO SYNDROME B; Mucopolysaccharidosis Type IVB; Mucopolysaccharidosis type IVB (Morquio). Identifiers: Orphanet 309310, Orphanet 582, MedGen C0086652, MONDO:0009660, OMIM 253010.
GM1 gangliosidosis type 3. Also called: Gangliosidosis, Generalized GM1, Type 3; GANGLIOSIDOSIS, GENERALIZED GM1, ADULT TYPE; GANGLIOSIDOSIS, GENERALIZED GM1, CHRONIC TYPE; GANGLIOSIDOSIS, GENERALIZED GM1, TYPE III; GM1-GANGLIOSIDOSIS, TYPE III; Beta-galactosidase deficiency. Identifiers: Orphanet 79257, MedGen C0268273, MONDO:0009262, OMIM 230650.
GM1 gangliosidosis type 2. Also called: Juvenile GM>1< gangliosidosis; Gangliosidosis, Generalized GM1, Type 2; GANGLIOSIDOSIS, GENERALIZED GM1, JUVENILE TYPE; GANGLIOSIDOSIS, GENERALIZED GM1, TYPE II; GM1-GANGLIOSIDOSIS, TYPE II. Identifiers: Orphanet 354, Orphanet 79256, MedGen C0268272, MONDO:0009261, OMIM 230600.
Infantile GM1 gangliosidosis. Also called: Gangliosidosis, Generalized GM1, Type 1; GM1 gangliosidosis type 1; GM1-gangliosidosis, type I; Gangliosidosis, generalized GM1, infantile form; GLB1 deficiency. Identifiers: Orphanet 354, Orphanet 79255, MedGen C0268271, MONDO:0009260, OMIM 230500.
GM1 gangliosidosis. Identifiers: Orphanet 354, MedGen C0085131, MONDO:0018149.

Allele frequency attached by ClinVar (database versions not stated): gnomAD exomes below 0.00001; gnomAD 0.00001.

Submissions (7):

Labcorp Genetics (formerly Invitae), Labcorp
Classification: Pathogenic for Mucopolysaccharidosis, MPS-IV-B; GM1 gangliosidosis. Last evaluated: 2026-01-19. Review status: criteria provided, single submitter. Criteria: Invitae Variant Classification Sherloc (09022015). Collection method: clinical testing. Allele origin: germline.
Comment: This sequence change creates a premature translational stop signal (p.Gln234Argfs*20) in the GLB1 gene. It is expected to result in an absent or disrupted protein product. Loss-of-function variants in GLB1 are known to be pathogenic (PMID: 18524657). This variant is present in population databases (no rsID available, gnomAD 0.007%). This variant has not been reported in the literature in individuals affected with GLB1-related conditions. ClinVar contains an entry for this variant (Variation ID: 928700). For these reasons, this variant has been classified as Pathogenic.

Natera, Inc.
Classification: Pathogenic for Mucopolysaccharidosis, MPS-IV-B. Last evaluated: 2025-05-27. Review status: criteria provided, single submitter. Criteria: Natera Variant Classification Schema (03/2026). Collection method: clinical testing. Allele origin: germline.
Comment: The c.699delG variant in GLB1 is a frameshift variant predicted to shift the reading frame beginning at codon 234 and leads to a stop codon 20 codons downstream. This variant is expected to result in nonsense mediated decay, truncation, or a dysfunctional protein product. This variant is rare in the general population with a frequency below the threshold expected for the associated phenotype(s). This variant has been observed in one or more individuals affected with the associated recessive disease, as either homozygous or compound heterozygous with a second variant (PMID: 28476546). Given the available evidence, this variant is classified as Pathogenic.

Fulgent Genetics
Classification: Pathogenic for Infantile GM1 gangliosidosis; GM1 gangliosidosis type 2; GM1 gangliosidosis type 3; Mucopolysaccharidosis, MPS-IV-B. Last evaluated: 2024-04-15. Review status: criteria provided, single submitter. Criteria: ACMG Guidelines, 2015. Collection method: clinical testing. Allele origin: germline.

Revvity Omics, Revvity
Classification: Likely pathogenic. Last evaluated: 2022-09-12. Review status: criteria provided, single submitter. Criteria: ACMG Guidelines, 2015. Collection method: clinical testing. Allele origin: germline.

Institute of Medical Genetics and Applied Genomics, University Hospital Tübingen
Classification: Pathogenic. Last evaluated: 2020-10-23. Review status: criteria provided, single submitter. Criteria: ACMG Guidelines, 2015. Collection method: clinical testing. Allele origin: germline. Inheritance: Autosomal recessive inheritance. Affected: yes.

Blueprint Genetics
Classification: Likely pathogenic for GLB1-related disorders. Last evaluated: 2019-11-08. Review status: criteria provided, single submitter. Criteria: ACMG Guidelines, 2015. Collection method: clinical testing. Allele origin: germline. Affected: yes. Observed: 2 variant alleles.

Women's Health and Genetics/Laboratory Corporation of America, LabCorp
Classification: Pathogenic for GM1 gangliosidosis. Last evaluated: 2019-03-15. Review status: criteria provided, single submitter. Criteria: LabCorp Variant Classification Summary - May 2015. Collection method: clinical testing. Allele origin: germline.
Comment: Variant summary: GLB1 c.699delG (p.Gln234ArgfsX20) results in a premature termination codon, predicted to cause a truncation of the encoded protein or absence of the protein due to nonsense mediated decay, which are commonly known mechanisms for disease. The variant allele was found at a frequency of 3.2e-05 in 31064 control chromosomes (gnomAD) and has been reported in the literature in multiple individuals affected with infantile form of GM1 gangliosidosis (Mytsyk_2016, Utz_2017). Mytsyk et al states that c.699delG in its homozygous state resulted in very early onset of the disease. These data indicate that the variant is very likely to be associated with disease. To our knowledge, no experimental evidence demonstrating an impact on protein function has been reported. No clinical diagnostic laboratories have submitted clinical-significance assessments for this variant to ClinVar after 2014. Based on the evidence outlined above, the variant was classified as pathogenic.

Literature cited by the submitters: PubMed 18524657 (cited by Labcorp Genetics (formerly Invitae), Labcorp); PubMed 28476546 (cited by Natera, Inc.).

NM_000404.4(GLB1):c.699del (p.Gln234fs)

Gene: GLB1 (galactosidase beta 1; minus strand). Cytogenetic location: 3p22.3.
Variant type: Deletion.
Coding change: c.699del on transcript NM_000404.4 (MANE Select); coding-DNA position 699, one base deleted (G; older notation c.699delG).
Protein change: p.Gln234fs; shifts the reading frame from glutamine 234.
Molecular consequence: frameshift variant. On other transcripts: intron variant (1).
Genome position (GRCh38, 1-based): chr3:33,058,123, C deleted on the plus strand (G on the coding strand, the reverse complement: GLB1 is on the minus strand). VCF-style (leftmost placement, unchanged base first): chr3-33058122-GC-G. GRCh37 (hg19) VCF-style: chr3-33099614-GC-G.
Other names: c.699delG (NM_000404.3); c.609del, p.Gln204fs (NM_001079811.3); c.843del, p.Gln282fs (NM_001317040.2); c.699del, p.Gln234fs (NM_001393580.1); c.341-4574del (NM_001135602.3); short protein forms Q204fs, Q234fs, Q282fs.
Identifiers: ClinVar variation 928700 (VCV000928700.13), dbSNP rs1452318343, ClinGen allele CA542177274.